The following is an entry in ClinVar:

NM_016180.5(SLC45A2):c.217G>T (p.Val73Leu)

Gene: SLC45A2 (solute carrier family 45 member 2; minus strand). Cytogenetic location: 5p13.2.
Variant type: single nucleotide variant.
Coding change: c.217G>T on transcript NM_016180.5 (MANE Select); coding-DNA position 217, G replaced by T.
Protein change: p.Val73Leu; replaces valine 73 with leucine.
Molecular consequence: missense variant.
Genome position (GRCh38, 1-based): chr5:33,984,367, C>A on the plus strand (G>T on the coding strand, the complement: SLC45A2 is on the minus strand). VCF-style: chr5-33984367-C-A. GRCh37 (hg19) VCF-style: chr5-33984472-C-A.
Other names: c.217G>T, p.Val73Leu (NM_001012509.4, NM_001297417.4); short protein forms V73L.
Identifiers: ClinVar variation 3384791 (VCV003384791.1).
Genomic context (GRCh38, chr5:33,984,367, plus strand): 5'-CGCTGGCCGATCCGACCACGGGCTGCAGCAGGAATCCCAGGATGGGGCTGAGGAACCACA[C>A]AATGCTGTACAGGCTGCTGGGCAGACCTACGCTGAGCAGGACTGGGGTCACATACGCTGC-3'
Protein context (NP_057264.4, residues 63-83): VGLPSSLYSI[Val73Leu]WFLSPILGFL

ClinVar aggregate classification (germline): Uncertain significance (1 of 4 stars; one submission).

Submission:

Women's Health and Genetics/Laboratory Corporation of America, LabCorp
Classification: Uncertain significance. Last evaluated: 2024-10-10. Review status: criteria provided, single submitter. Criteria: LabCorp Variant Classification Summary - May 2015. Collection method: clinical testing. Allele origin: germline.
Comment: Variant summary: SLC45A2 c.217G>T (p.Val73Leu) results in a conservative amino acid change in the encoded protein sequence. Three of five in-silico tools predict a damaging effect of the variant on protein function. The variant was absent in 250318 control chromosomes (gnomAD). The available data on variant occurrences in the general population are insufficient to allow any conclusion about variant significance. c.217G>T has been reported in the literature in at least an individual affected with Oculocutaneous albinism type 4 (example: Okamura_2016). These data do not allow any conclusion about variant significance. To our knowledge, no experimental evidence demonstrating an impact on protein function has been reported. The following publication has been ascertained in the context of this evaluation (PMID: 26573111). No submitters have cited clinical-significance assessments for this variant to ClinVar. Based on the evidence outlined above, the variant was classified as uncertain significance.

Literature cited by the submitters: PubMed 26573111.